The following is an entry in ClinVar:

NM_014804.3(KIAA0753):c.2359-5dup

Gene: KIAA0753 (KIAA0753; minus strand). Cytogenetic location: 17p13.1.
Variant type: Duplication.
Coding change: c.2359-5dup on transcript NM_014804.3 (MANE Select); 5 bases into the intron before coding-DNA position 2359, one base duplicated (T; older notation c.2359-5dupT).
Molecular consequence: intron variant.
Genome position (GRCh38, 1-based): chr17:6,595,058, A duplicated on the plus strand (T on the coding strand, the reverse complement: KIAA0753 is on the minus strand); the first of 9 consecutive A bases (chr17:6,595,058-6,595,066); duplicating any one gives the same sequence. VCF-style (leftmost placement, unchanged base first): chr17-6595057-T-TA. GRCh37 (hg19) VCF-style: chr17-6498377-T-TA.
Other names: c.2359-5dupT (NM_014804.2); c.1462-5dup (NM_001351225.2).
Identifiers: ClinVar variation 2176978 (VCV002176978.6), dbSNP rs751716629, ClinGen allele CA8330165.

ClinVar aggregate classification (germline): Benign. Review status: criteria provided, single submitter (1 of 4 stars). 2 submissions from 2 submitters: Benign (1). 1 of the submissions does not count toward it. Last evaluated 2025-08-18.

Conditions:
KIAA0753-related disorder.

Submissions (2):

Labcorp Genetics (formerly Invitae), Labcorp
Classification: Benign. Last evaluated: 2025-08-18. Review status: criteria provided, single submitter. Criteria: Invitae Variant Classification Sherloc (09022015). Collection method: clinical testing. Allele origin: germline.

PreventionGenetics, part of Exact Sciences
Classification: Likely benign for KIAA0753-related condition. Last evaluated: 2019-06-05. Review status: no assertion criteria provided. Collection method: clinical testing. Allele origin: germline. Not counted in ClinVar's aggregate classification.
Comment: This variant is classified as likely benign based on ACMG/AMP sequence variant interpretation guidelines (Richards et al. 2015 PMID: 25741868, with internal and published modifications).